The following is an entry in ClinVar:

ClinVar aggregate classification (germline): Conflicting classifications of pathogenicity. Review status: criteria provided, conflicting classifications (1 of 4 stars). 5 submissions from 5 submitters: Uncertain significance (2); Likely benign (2). 1 of the submissions does not count toward it. Last evaluated 2026-01-27.

Conditions:
Inborn genetic diseases. Identifiers: MedGen C0950123, MeSH D030342.
Primary open angle glaucoma (POAG). Also called: OPTN-related open angle glaucoma. Identifiers: MedGen C0339573, MONDO:0100553, OMIM 137760.
Glaucoma 1, open angle, E. Identifiers: MedGen C1842026, MONDO:0007665.
Amyotrophic lateral sclerosis type 12 (ALS12). Also called: AMYOTROPHIC LATERAL SCLEROSIS 12 WITH OR WITHOUT FRONTOTEMPORAL DEMENTIA. Identifiers: Orphanet 803, MedGen C3150692, MONDO:0013264, OMIM 613435.
OPTN-related disorder. Also called: OPTN-related condition; OPTN-related disorders.

Allele frequency attached by ClinVar (database versions not stated): ESP Exome Variant Server 0.00008; gnomAD exomes 0.00014 and 0.00072; 1000 Genomes Project 0.00020; gnomAD 0.00029 and 0.00033; 1000 Genomes Project 30x 0.00031; ExAC 0.00053; TOPMed 0.00086.
gnomAD v4.1: 262 of 1,614,100 alleles (0.016%); highest among the groups gnomAD compares: Admixed American, 0.39%; 1 homozygote.

Submissions (5):

Labcorp Genetics (formerly Invitae), Labcorp
Classification: Likely benign for Primary open angle glaucoma; Glaucoma 1, open angle, E; Amyotrophic lateral sclerosis type 12. Last evaluated: 2026-01-27. Review status: criteria provided, single submitter. Criteria: Invitae Variant Classification Sherloc (09022015). Collection method: clinical testing. Allele origin: germline.

GeneDx
Classification: Uncertain significance. Last evaluated: 2023-09-19. Review status: criteria provided, single submitter. Criteria: GeneDx Variant Classification Process June 2021. Collection method: clinical testing. Allele origin: germline.
Comment: In silico analysis supports that this missense variant has a deleterious effect on protein structure/function; Has not been previously published as pathogenic or benign to our knowledge

Ambry Genetics
Classification: Likely benign for Inborn genetic diseases. Last evaluated: 2021-07-29. Review status: criteria provided, single submitter. Criteria: Ambry Variant Classification Scheme 2023. Collection method: clinical testing. Allele origin: germline.

Mayo Clinic Laboratories, Mayo Clinic
Classification: Uncertain significance. Last evaluated: 2019-09-25. Review status: criteria provided, single submitter. Criteria: ACMG Guidelines, 2015. Collection method: clinical testing. Allele origin: germline. Observed: 1 variant allele.

PreventionGenetics, part of Exact Sciences
Classification: Benign for OPTN-related condition. Last evaluated: 2019-12-24. Review status: no assertion criteria provided. Collection method: clinical testing. Allele origin: germline. Not counted in ClinVar's aggregate classification.
Comment: This variant is classified as benign based on ACMG/AMP sequence variant interpretation guidelines (Richards et al. 2015 PMID: 25741868, with internal and published modifications).

NM_001008212.2(OPTN):c.1559G>A (p.Arg520His)

Gene: OPTN (optineurin; plus strand). Cytogenetic location: 10p13.
Variant type: single nucleotide variant.
Coding change: c.1559G>A on transcript NM_001008212.2 (MANE Select); coding-DNA position 1559, G replaced by A.
Protein change: p.Arg520His; replaces arginine 520 with histidine.
Molecular consequence: missense variant.
Genome position (GRCh38, 1-based): chr10:13,133,528, G>A. VCF-style: chr10-13133528-G-A. GRCh37 (hg19) VCF-style: chr10-13175528-G-A.
Other names: c.1559G>A, p.Arg520His (NM_001008211.1, NM_001008213.1, NM_021980.4); short protein forms R520H.
Identifiers: ClinVar variation 703932 (VCV000703932.20), dbSNP rs200088838, ClinGen allele CA5411016.